The following is an entry in ClinVar:

ClinVar aggregate classification (germline): Uncertain significance (1 of 4 stars; one submission).

gnomAD v4.1: 4 of 1,612,530 alleles (0.00025%); highest among the groups gnomAD compares: Non-Finnish European, 0.00025%; no homozygotes.

Submission:

Ambry Genetics
Classification: Uncertain significance. Last evaluated: 2024-12-07. Review status: criteria provided, single submitter. Criteria: Ambry Variant Classification Scheme 2023. Collection method: clinical testing. Allele origin: germline.
Comment: The p.A1123P variant (also known as c.3367G>C), located in coding exon 13 of the WNK2 gene, results from a G to C substitution at nucleotide position 3367. The alanine at codon 1123 is replaced by proline, an amino acid with highly similar properties. This amino acid position is conserved. In addition, this alteration is predicted to be tolerated by in silico analysis. Based on the available evidence, the clinical significance of this variant remains unclear.

NM_006648.4(WNK2):c.3367G>C (p.Ala1123Pro)

Gene: WNK2 (WNK lysine deficient protein kinase 2; plus strand). Cytogenetic location: 9q22.31.
Variant type: single nucleotide variant.
Coding change: c.3367G>C on transcript NM_006648.4 (MANE Select); coding-DNA position 3367, G replaced by C.
Protein change: p.Ala1123Pro; replaces alanine 1123 with proline.
Molecular consequence: missense variant.
Genome position (GRCh38, 1-based): chr9:93,262,676, G>C. VCF-style: chr9-93262676-G-C. GRCh37 (hg19) VCF-style: chr9-96024958-G-C.
Other names: c.3367G>C, p.Ala1123Pro (NM_001282394.3); short protein forms A1123P.
Identifiers: ClinVar variation 3470628 (VCV003470628.1).